The following is an entry in ClinVar:

NM_001161352.2(KCNMA1):c.2489G>A (p.Arg830Gln)

Genes: KCNMA1-AS1 (KCNMA1 antisense RNA 1; plus strand), KCNMA1 (potassium calcium-activated channel subfamily M alpha 1; minus strand). Cytogenetic location: 10q22.3.
Variant type: single nucleotide variant.
Coding change: c.2489G>A on transcript NM_001161352.2 (MANE Select); coding-DNA position 2489, G replaced by A.
Protein change: p.Arg830Gln; replaces arginine 830 with glutamine.
Molecular consequence: missense variant.
Genome position (GRCh38, 1-based): chr10:76,949,362, C>T on the plus strand (G>A on the coding strand, the complement: KCNMA1 is on the minus strand). VCF-style: chr10-76949362-C-T. GRCh37 (hg19) VCF-style: chr10-78709120-C-T.
Other names: c.2327G>A, p.Arg776Gln (NM_001014797.3, NM_001322835.2, NM_001322837.2); c.2438G>A, p.Arg813Gln (NM_001161353.2); c.2165G>A, p.Arg722Gln (NM_001271518.2); c.2324G>A, p.Arg775Gln (NM_001271519.2, NM_001322829.2, NM_001322836.2); c.2336G>A, p.Arg779Gln (NM_001322830.2); c.2315G>A, p.Arg772Gln (NM_001322832.2, NM_001410940.1, NM_002247.4); c.1862G>A, p.Arg621Gln (NM_001322838.2); short protein forms R621Q, R722Q, R772Q, R775Q, R776Q, R779Q, R813Q, R830Q.
Identifiers: ClinVar variation 3607043 (VCV003607043.2).

ClinVar aggregate classification (germline): Uncertain significance (1 of 4 stars; one submission).

Conditions:
Generalized epilepsy-paroxysmal dyskinesia syndrome (PNKD3). Also called: Generalized epilepsy and paroxysmal dyskinesia; Paroxysmal nonkinesigenic dyskinesia, 3, with or without generalized epilepsy. Identifiers: Orphanet 79137, MedGen C5574945, MONDO:0012276, OMIM 609446.

gnomAD v4.1: 14 of 1,613,386 alleles (0.00087%); highest among the groups gnomAD compares: Non-Finnish European, 0.0011%; no homozygotes.

Submission:

Labcorp Genetics (formerly Invitae), Labcorp
Classification: Uncertain significance for Generalized epilepsy-paroxysmal dyskinesia syndrome. Last evaluated: 2024-03-06. Review status: criteria provided, single submitter. Criteria: Invitae Variant Classification Sherloc (09022015). Collection method: clinical testing. Allele origin: germline.
Comment: This sequence change replaces arginine, which is basic and polar, with glutamine, which is neutral and polar, at codon 772 of the KCNMA1 protein (p.Arg772Gln). This variant is present in population databases (rs771807869, gnomAD 0.002%). This variant has not been reported in the literature in individuals affected with KCNMA1-related conditions. Advanced modeling of protein sequence and biophysical properties (such as structural, functional, and spatial information, amino acid conservation, physicochemical variation, residue mobility, and thermodynamic stability) performed at Invitae indicates that this missense variant is expected to disrupt KCNMA1 protein function with a positive predictive value of 80%. In summary, the available evidence is currently insufficient to determine the role of this variant in disease. Therefore, it has been classified as a Variant of Uncertain Significance.